The following is an entry in ClinVar:

NM_000271.5(NPC1):c.117G>A (p.Arg39=)

Gene: NPC1 (NPC intracellular cholesterol transporter 1; minus strand). Cytogenetic location: 18q11.2.
Variant type: single nucleotide variant.
Coding change: c.117G>A on transcript NM_000271.5 (MANE Select); coding-DNA position 117, G replaced by A.
Protein change: p.Arg39=; no amino-acid change (arginine 39 retained).
Molecular consequence: synonymous variant.
Genome position (GRCh38, 1-based): chr18:23,573,515, C>T on the plus strand (G>A on the coding strand, the complement: NPC1 is on the minus strand). VCF-style: chr18-23573515-C-T. GRCh37 (hg19) VCF-style: chr18-21153479-C-T.
Identifiers: ClinVar variation 4822603 (VCV004822603.4).

ClinVar aggregate classification (germline): Likely benign (1 of 4 stars; one submission).

Submission:

CeGaT Center for Human Genetics Tuebingen
Classification: Likely benign. Last evaluated: 2026-01-01. Review status: criteria provided, single submitter. Criteria: CeGaT Center For Human Genetics Tuebingen Variant Classification Criteria Version 2. Collection method: clinical testing. Allele origin: germline. Affected: yes. Observed: 1 variant allele.
Comment: NPC1: PM2:Supporting, BP4, BP7